The following is an entry in ClinVar:

ClinVar aggregate classification (germline): Conflicting classifications of pathogenicity. Review status: criteria provided, conflicting classifications (1 of 4 stars). 6 submissions from 6 submitters: Uncertain significance (1); Benign (1); Likely benign (4). Last evaluated 2026-01-12.

Conditions:
Hereditary nonpolyposis colorectal neoplasms. Identifiers: MedGen C0009405, MeSH D003123.
Hereditary cancer-predisposing syndrome. Also called: Hereditary Cancer Syndrome; Hereditary neoplastic syndrome; Neoplastic Syndromes, Hereditary; Tumor predisposition. Identifiers: Orphanet 140162, MedGen C0027672, MeSH D009386, MONDO:0015356.
Lynch syndrome 5 (LYNCH5). Also called: Hereditary non-polyposis colorectal cancer, type 5; Colorectal cancer, hereditary nonpolyposis, type 5. Identifiers: Orphanet 144, MedGen C1833477, MONDO:0013710, OMIM 614350. Disease mechanism: loss of function.

Allele frequency attached by ClinVar (database versions not stated): gnomAD exomes below 0.00001; TOPMed 0.00001.

Submissions (6):

Labcorp Genetics (formerly Invitae), Labcorp
Classification: Likely benign for Hereditary nonpolyposis colorectal neoplasms. Last evaluated: 2026-01-12. Review status: criteria provided, single submitter. Criteria: Invitae Variant Classification Sherloc (09022015). Collection method: clinical testing. Allele origin: germline.

Myriad Genetics, Inc.
Classification: Benign for Lynch syndrome 5. Last evaluated: 2024-12-31. Review status: criteria provided, single submitter. Criteria: Myriad Autosomal Dominant, Autosomal Recessive and X-Linked Classification Criteria (2023). Collection method: clinical testing. Allele origin: unknown.
Comment: This variant is considered benign. This variant is a silent/synonymous amino acid change and it is not expected to impact splicing.

Sema4
Classification: Uncertain significance for Hereditary cancer-predisposing syndrome. Last evaluated: 2021-11-15. Review status: criteria provided, single submitter. Criteria: Sema4 Curation Guidelines. Collection method: curation. Allele origin: germline.
Comment: The MSH6 c.2584C>T (p.L862=) variant has not been reported in the literature to our knowledge. This variant was observed in 1/112836 chromosomes in the Non-Finnish European population according to the Genome Aggregation Database (PMID: 32461654). This variant has been reported in ClinVar (Variation ID 455208). The nucleotide is highly conserved and in silico tools that predict the effect of sequence changes on splicing suggest this variant may not impact splicing, though these predictions have not been confirmed by functional studies. The overall evidence is insufficient to meet ACMG/AMP criteria for classifying it as benign or pathogenic. In summary, the clinical significance of this variant is currently uncertain.

GeneDx
Classification: Likely benign. Last evaluated: 2019-07-31. Review status: criteria provided, single submitter. Criteria: GeneDx Variant Classification Process June 2021. Collection method: clinical testing. Allele origin: germline. Affected: yes.

Ambry Genetics
Classification: Likely benign for Hereditary cancer-predisposing syndrome. Last evaluated: 2019-03-26. Review status: criteria provided, single submitter. Criteria: Ambry Variant Classification Scheme 2023. Collection method: clinical testing. Allele origin: germline.

Color Diagnostics, LLC DBA Color Health
Classification: Likely benign for Hereditary cancer-predisposing syndrome. Last evaluated: 2018-05-09. Review status: criteria provided, single submitter. Criteria: ACMG Guidelines, 2015. Collection method: clinical testing. Allele origin: germline.

NM_000179.3(MSH6):c.2584C>T (p.Leu862=)

Gene: MSH6 (mutS homolog 6; plus strand). Cytogenetic location: 2p16.3.
Variant type: single nucleotide variant.
Coding change: c.2584C>T on transcript NM_000179.3 (MANE Select); coding-DNA position 2584, C replaced by T.
Protein change: p.Leu862=; no amino-acid change (leucine 862 retained).
Molecular consequence: synonymous variant.
Genome position (GRCh38, 1-based): chr2:47,800,567, C>T. VCF-style: chr2-47800567-C-T. GRCh37 (hg19) VCF-style: chr2-48027706-C-T.
Other names: c.2194C>T, p.Leu732= (NM_001281492.2); c.1678C>T, p.Leu560= (NM_001281493.2, NM_001281494.2).
Identifiers: ClinVar variation 455208 (VCV000455208.22), dbSNP rs1187393388, ClinGen allele CA426121627.